The following is an entry in ClinVar:

NM_001171.6(ABCC6):c.2299G>A (p.Val767Ile)

Gene: ABCC6 (ATP binding cassette subfamily C member 6; minus strand). Cytogenetic location: 16p13.11.
Variant type: single nucleotide variant.
Coding change: c.2299G>A on transcript NM_001171.6 (MANE Select); coding-DNA position 2299, G replaced by A.
Protein change: p.Val767Ile; replaces valine 767 with isoleucine.
Molecular consequence: missense variant. On other transcripts: non-coding transcript variant (1).
Genome position (GRCh38, 1-based): chr16:16,178,914, C>T on the plus strand (G>A on the coding strand, the complement: ABCC6 is on the minus strand). VCF-style: chr16-16178914-C-T. GRCh37 (hg19) VCF-style: chr16-16272771-C-T.
Other names: c.1957G>A, p.Val653Ile (NM_001351800.1); short protein forms V653I, V767I.
Identifiers: ClinVar variation 1488693 (VCV001488693.5), dbSNP rs538408828, ClinGen allele CA7925961.

ClinVar aggregate classification (germline): Uncertain significance (1 of 4 stars; one submission).

Allele frequency attached by ClinVar (database versions not stated): gnomAD exomes below 0.00001; TOPMed below 0.00001; ExAC 0.00001; gnomAD 0.00001; 1000 Genomes Project 30x 0.00016; 1000 Genomes Project 0.00020.
gnomAD v4.1: 8 of 1,613,614 alleles (0.0005%); highest among the groups gnomAD compares: South Asian, 0.0044%; no homozygotes.

Submission:

Labcorp Genetics (formerly Invitae), Labcorp
Classification: Uncertain significance. Last evaluated: 2021-11-09. Review status: criteria provided, single submitter. Criteria: Invitae Variant Classification Sherloc (09022015). Collection method: clinical testing. Allele origin: germline.
Comment: In summary, the available evidence is currently insufficient to determine the role of this variant in disease. Therefore, it has been classified as a Variant of Uncertain Significance. Advanced modeling of protein sequence and biophysical properties (such as structural, functional, and spatial information, amino acid conservation, physicochemical variation, residue mobility, and thermodynamic stability) performed at Invitae indicates that this missense variant is not expected to disrupt ABCC6 protein function. This variant has not been reported in the literature in individuals affected with ABCC6-related conditions. This variant is present in population databases (rs538408828, gnomAD 0.004%). This sequence change replaces valine, which is neutral and non-polar, with isoleucine, which is neutral and non-polar, at codon 767 of the ABCC6 protein (p.Val767Ile).